The following is an entry in ClinVar:

NM_001384140.1(PCDH15):c.4595G>A (p.Arg1532Gln)

Gene: PCDH15 (protocadherin related 15; minus strand). Cytogenetic location: 10q21.1.
Variant type: single nucleotide variant.
Coding change: c.4595G>A on transcript NM_001384140.1 (MANE Select); coding-DNA position 4595, G replaced by A.
Protein change: p.Arg1532Gln; replaces arginine 1532 with glutamine.
Molecular consequence: missense variant.
Genome position (GRCh38, 1-based): chr10:53,810,632, C>T on the plus strand (G>A on the coding strand, the complement: PCDH15 is on the minus strand). VCF-style: chr10-53810632-C-T. GRCh37 (hg19) VCF-style: chr10-55570392-C-T.
Other names: c.4442G>A, p.Arg1481Gln (NM_001142769.4); c.4477G>A, p.Asp1493Asn (NM_001142770.3); c.4421G>A, p.Arg1474Gln (NM_001142771.2, NM_001354411.2); c.4406G>A, p.Arg1469Gln (NM_001142772.2); c.4400G>A, p.Arg1467Gln (NM_001354420.2); c.4529G>A, p.Arg1510Gln (NM_001354429.2); short protein forms R1474Q, R1510Q, R1467Q, R1469Q, D1493N, R1481Q, R1532Q.
Identifiers: ClinVar variation 3414730 (VCV003414730.3).

ClinVar aggregate classification (germline): Uncertain significance. Review status: criteria provided, multiple submitters, no conflicts (2 of 4 stars). 3 submissions from 3 submitters: Uncertain significance (3). Last evaluated 2025-01-22.

Conditions:
PCDH15-related disorder. Also called: PCDH15-related disorders; PCDH15-related condition.
Inborn genetic diseases. Identifiers: MedGen C0950123, MeSH D030342.

gnomAD v4.1: 10 of 1,613,682 alleles (0.00062%); highest among the groups gnomAD compares: African/African-American, 0.008%; no homozygotes.

Submissions (3):

PreventionGenetics, part of Exact Sciences
Classification: Uncertain significance for PCDH15-related condition. Last evaluated: 2025-01-22. Review status: criteria provided, single submitter. Criteria: ACMG Guidelines, 2015. Collection method: clinical testing. Allele origin: germline.
Comment: The PCDH15 c.4442G>A variant is predicted to result in the amino acid substitution p.Arg1481Gln. To our knowledge, this variant has not been reported in the literature. This variant is reported in 0.0028% of alleles in individuals of Latino descent in gnomAD. At this time, the clinical significance of this variant is uncertain due to the absence of conclusive functional and genetic evidence.

Ambry Genetics
Classification: Uncertain significance for Inborn genetic diseases. Last evaluated: 2024-11-25. Review status: criteria provided, single submitter. Criteria: Ambry Variant Classification Scheme 2023. Collection method: clinical testing. Allele origin: germline.

Blueprint Genetics
Classification: Uncertain significance. Last evaluated: 2019-03-06. Review status: criteria provided, single submitter. Criteria: ACMG Guidelines, 2015. Collection method: clinical testing. Allele origin: germline.